The following is an entry in ClinVar:

ClinVar aggregate classification (germline): Uncertain significance (1 of 4 stars; one submission).

Conditions:
Early-infantile DEE. Also called: Early infantile epileptic encephalopathy; Ohtahara syndrome; Early infantile epileptic encephalopathy with suppression bursts. Identifiers: Orphanet 1934, MedGen C0393706, MONDO:0800491.

Submission:

Labcorp Genetics (formerly Invitae), Labcorp
Classification: Uncertain significance for Early-infantile DEE. Last evaluated: 2021-11-04. Review status: criteria provided, single submitter. Criteria: Invitae Variant Classification Sherloc (09022015). Collection method: clinical testing. Allele origin: germline.
Comment: Advanced modeling of protein sequence and biophysical properties (such as structural, functional, and spatial information, amino acid conservation, physicochemical variation, residue mobility, and thermodynamic stability) performed at Invitae indicates that this missense variant is expected to disrupt SCN1A protein function. This sequence change replaces leucine, which is neutral and non-polar, with proline, which is neutral and non-polar, at codon 1841 of the SCN1A protein (p.Leu1841Pro). This variant is not present in population databases (gnomAD no frequency). This missense change has been observed in individual(s) with clinical features of SCN1A-related conditions (PMID: 30182801). In summary, the available evidence is currently insufficient to determine the role of this variant in disease. Therefore, it has been classified as a Variant of Uncertain Significance.

Literature cited by the submitters: PubMed 30182801.

NM_001165963.4(SCN1A):c.5522T>C (p.Leu1841Pro)

Genes: SCN1A (sodium voltage-gated channel alpha subunit 1; minus strand), LOC102724058 (uncharacterized LOC102724058; plus strand). Cytogenetic location: 2q24.3.
Variant type: single nucleotide variant.
Coding change: c.5522T>C on transcript NM_001165963.4 (MANE Select); coding-DNA position 5522, T replaced by C.
Protein change: p.Leu1841Pro; replaces leucine 1841 with proline.
Molecular consequence: missense variant. On other transcripts: non-coding transcript variant (1).
Genome position (GRCh38, 1-based): chr2:165,991,753, A>G on the plus strand (T>C on the coding strand, the complement: SCN1A is on the minus strand). VCF-style: chr2-165991753-A-G. GRCh37 (hg19) VCF-style: chr2-166848263-A-G.
Other names: c.5438T>C, p.Leu1813Pro (NM_001165964.3, NM_001353957.2, NM_001353958.2); c.5522T>C, p.Leu1841Pro (NM_001202435.3, NM_001353948.2); c.5489T>C, p.Leu1830Pro (NM_001353949.2, NM_001353950.2, NM_001353951.2 and 2 more transcripts); c.5486T>C, p.Leu1829Pro (NM_001353954.2, NM_001353955.2); c.5435T>C, p.Leu1812Pro (NM_001353960.2); c.3080T>C, p.Leu1027Pro (NM_001353961.2); short protein forms L1812P, L1841P, L1027P, L1830P, L1813P, L1829P.
Identifiers: ClinVar variation 1436471 (VCV001436471.7), dbSNP rs2105426709, ClinGen allele CA349065632.
Genomic context (GRCh38, chr2:165,991,753, plus strand): 5'-CGGTCACCACTCACCATGGGCAAATCCATGGCAATGAGCTGGAGTTTGTTTGGTTGTGGC[A>G]GATTGAGAGGCGGTTCAAGCGCAGCTGCAAACTGAGATAATTTTTCAAATTCCATGAACT-3'
Protein context (NP_001159435.1, residues 1831-1851): FAAALEPPLN[Leu1841Pro]PQPNKLQLIA